The following is an entry in ClinVar:

ClinVar aggregate classification (germline): Uncertain significance. Review status: criteria provided, multiple submitters, no conflicts (2 of 4 stars). 2 submissions from 2 submitters: Uncertain significance (2). Last evaluated 2021-10-12.

Conditions:
Inborn genetic diseases. Identifiers: MedGen C0950123, MeSH D030342.

Allele frequency attached by ClinVar (database versions not stated): TOPMed 0.00002.

Submissions (2):

Ambry Genetics
Classification: Uncertain significance for Inborn genetic diseases. Last evaluated: 2021-10-12. Review status: criteria provided, single submitter. Criteria: Ambry Variant Classification Scheme 2023. Collection method: clinical testing. Allele origin: germline.

Labcorp Genetics (formerly Invitae), Labcorp
Classification: Uncertain significance. Last evaluated: 2017-09-24. Review status: criteria provided, single submitter. Criteria: Invitae Variant Classification Sherloc (09022015). Collection method: clinical testing. Allele origin: germline.
Comment: In summary, the available evidence is currently insufficient to determine the role of this variant in disease. Therefore, it has been classified as a Variant of Uncertain Significance. This sequence change replaces tryptophan with cysteine at codon 70 of the FAM134B protein (p.Trp70Cys). The tryptophan residue is weakly conserved and there is a large physicochemical difference between tryptophan and cysteine. While this variant is not present in population databases, the frequency information is unreliable, as metrics indicate poor data quality at this position in the ExAC database. This variant has not been reported in the literature in individuals with FAM134B-related disease. Algorithms developed to predict the effect of missense changes on protein structure and function do not agree on the potential impact of this missense change (SIFT: "Tolerated"; PolyPhen-2: "Probably Damaging"; Align-GVGD: "Class C0").

NM_001034850.3(RETREG1):c.210G>T (p.Trp70Cys)

Genes: RETREG1 (reticulophagy regulator 1; minus strand), RETREG1-AS1 (RETREG1 antisense RNA 1; plus strand), LOC129993734 (ATAC-STARR-seq lymphoblastoid silent region 15947; plus strand). Cytogenetic location: 5p15.1.
Variant type: single nucleotide variant.
Coding change: c.210G>T on transcript NM_001034850.3 (MANE Select); coding-DNA position 210, G replaced by T.
Protein change: p.Trp70Cys; replaces tryptophan 70 with cysteine.
Molecular consequence: missense variant.
Genome position (GRCh38, 1-based): chr5:16,616,762, C>A on the plus strand (G>T on the coding strand, the complement: RETREG1 is on the minus strand). VCF-style: chr5-16616762-C-A. GRCh37 (hg19) VCF-style: chr5-16616871-C-A.
Other names: c.210G>T (NM_001034850.1); short protein forms W70C.
Identifiers: ClinVar variation 538129 (VCV000538129.10), dbSNP rs1554026745, ClinGen allele CA359292783.
Genomic context (GRCh38, chr5:16,616,762, plus strand): 5'-CTTCCAGCTCAGCAGCTCGTCGGCGCGGCAGCCCAGCCACAGCACCGGCTCCCCGAGCAG[C>A]CAGGTTACCGCGGCCGCCGCCCGGCCCGCGGCCTCCTCCACCTGCAACCCCGCGCCCTCC-3'
Protein context (NP_001030022.1, residues 60-80): AAGRAAAAVT[Trp70Cys]LLGEPVLWLG